The following is an entry in ClinVar:

ClinVar aggregate classification (germline): Uncertain significance (1 of 4 stars; one submission).

Conditions:
Spastic paraplegia. Identifiers: MedGen C0037772, HP:0001258.

Allele frequency attached by ClinVar (database versions not stated): gnomAD exomes below 0.00001.
gnomAD v4.1: 1 of 1,614,026 alleles (0.000062%); highest among the groups gnomAD compares: Non-Finnish European, 0.000085%; no homozygotes.

Submission:

Labcorp Genetics (formerly Invitae), Labcorp
Classification: Uncertain significance for Spastic paraplegia. Last evaluated: 2025-07-23. Review status: criteria provided, single submitter. Criteria: Invitae Variant Classification Sherloc (09022015). Collection method: clinical testing. Allele origin: germline.
Comment: This sequence change replaces tyrosine, which is neutral and polar, with cysteine, which is neutral and slightly polar, at codon 970 of the KIF5A protein (p.Tyr970Cys). This variant is not present in population databases (gnomAD no frequency). This variant has not been reported in the literature in individuals affected with KIF5A-related conditions. ClinVar contains an entry for this variant (Variation ID: 1440386). An algorithm developed to predict the effect of missense changes on protein structure and function (PolyPhen-2) suggests that this variant is likely to be tolerated. In summary, the available evidence is currently insufficient to determine the role of this variant in disease. Therefore, it has been classified as a Variant of Uncertain Significance.

NM_004984.4(KIF5A):c.2909A>G (p.Tyr970Cys)

Gene: KIF5A (kinesin family member 5A; plus strand). Cytogenetic location: 12q13.3.
Variant type: single nucleotide variant.
Coding change: c.2909A>G on transcript NM_004984.4 (MANE Select); coding-DNA position 2909, A replaced by G.
Protein change: p.Tyr970Cys; replaces tyrosine 970 with cysteine.
Molecular consequence: missense variant.
Genome position (GRCh38, 1-based): chr12:57,581,568, A>G. VCF-style: chr12-57581568-A-G. GRCh37 (hg19) VCF-style: chr12-57975351-A-G.
Other names: c.2642A>G, p.Tyr881Cys (NM_001354705.2); short protein forms Y881C, Y970C.
Identifiers: ClinVar variation 1440386 (VCV001440386.6), dbSNP rs1484472471, ClinGen allele CA385516193.
Genomic context (GRCh38, chr12:57,581,568, plus strand): 5'-TCTTCCAGAACTACCAGAATCTCTACCTGCAGGCCACACCCAGCTCCACCTCAGATATGT[A>G]GTGAGTGACCACACGTGTGGGTTGGAGTCCCACCCAAAGCTCCCTGGACCCTAGAAGGCA-3'
Protein context (NP_004975.2, residues 960-980): QATPSSTSDM[Tyr970Cys]FANSCTSSGA